The following is an entry in ClinVar:

ClinVar aggregate classification (germline): Likely benign. Review status: criteria provided, single submitter (1 of 4 stars). 3 submissions from 3 submitters: Likely benign (1). 2 of the submissions do not count toward it. Last evaluated 2023-09-29.

Conditions:
PKHD1-related disorder. Also called: PKHD1-related condition.
Autosomal recessive polycystic kidney disease (ARPKD). Also called: AR polycystic kidney disease. Identifiers: Orphanet 731, Orphanet 8378, MedGen C0085548, MeSH D017044, MONDO:0009889.

Allele frequency attached by ClinVar (database versions not stated): gnomAD exomes 0.00002; ExAC 0.00003.
gnomAD v4.1: 10 of 1,592,868 alleles (0.00063%); highest among the groups gnomAD compares: East Asian, 0.0022%; no homozygotes.

Submissions (3):

Labcorp Genetics (formerly Invitae), Labcorp
Classification: Likely benign for Autosomal recessive polycystic kidney disease. Last evaluated: 2023-09-29. Review status: criteria provided, single submitter. Criteria: Invitae Variant Classification Sherloc (09022015). Collection method: clinical testing. Allele origin: germline.

PreventionGenetics, part of Exact Sciences
Classification: Likely benign for PKHD1-related condition. Last evaluated: 2022-02-14. Review status: no assertion criteria provided. Collection method: clinical testing. Allele origin: germline. Not counted in ClinVar's aggregate classification.
Comment: This variant is classified as likely benign based on ACMG/AMP sequence variant interpretation guidelines (Richards et al. 2015 PMID: 25741868, with internal and published modifications).

Natera, Inc.
Classification: Likely benign for Autosomal recessive polycystic kidney disease. Last evaluated: 2021-06-22. Review status: no assertion criteria provided. Collection method: clinical testing. Allele origin: germline. Not counted in ClinVar's aggregate classification.

NM_138694.4(PKHD1):c.7737G>A (p.Ala2579=)

Gene: PKHD1 (PKHD1 ciliary IPT domain containing fibrocystin/polyductin; minus strand). Cytogenetic location: 6p12.2.
Variant type: single nucleotide variant.
Coding change: c.7737G>A on transcript NM_138694.4 (MANE Select); coding-DNA position 7737, G replaced by A.
Protein change: p.Ala2579=; no amino-acid change (alanine 2579 retained).
Molecular consequence: synonymous variant.
Genome position (GRCh38, 1-based): chr6:51,856,067, C>T on the plus strand (G>A on the coding strand, the complement: PKHD1 is on the minus strand). VCF-style: chr6-51856067-C-T. GRCh37 (hg19) VCF-style: chr6-51720865-C-T.
Other names: c.7737G>A, p.Ala2579= (NM_170724.3); c.7737G>A (NM_138694.3).
Identifiers: ClinVar variation 1105903 (VCV001105903.16), dbSNP rs759139294, ClinGen allele CA3851844.
Genomic context (GRCh38, chr6:51,856,067, plus strand): 5'-AGTGGTTGTTTTATTTCTGCTGTCAGTCATGGTTAAATCATAAGAAACTTCAGGAGTATT[C>T]GCTCTAAGGTGATTTTAAAAGGAAAAAAAATGGGTTGAGAGATTATTTGCTCATTCTGAA-3'
Protein context (NP_619639.3, residues 2569-2589): VLFHRMSIGL[Ala2579=]NTPEVSYDLT